The following is an entry in ClinVar:

NM_002230.4(JUP):c.1550C>T (p.Pro517Leu)

Gene: JUP (junction plakoglobin; minus strand). Cytogenetic location: 17q21.2.
Variant type: single nucleotide variant.
Coding change: c.1550C>T on transcript NM_002230.4 (MANE Select); coding-DNA position 1550, C replaced by T.
Protein change: p.Pro517Leu; replaces proline 517 with leucine.
Molecular consequence: missense variant.
Genome position (GRCh38, 1-based): chr17:41,758,818, G>A on the plus strand (C>T on the coding strand, the complement: JUP is on the minus strand). VCF-style: chr17-41758818-G-A. GRCh37 (hg19) VCF-style: chr17-39915070-G-A.
Other names: c.1550C>T, p.Pro517Leu (NM_001352773.2, NM_001352774.2, NM_001352775.2 and 3 more transcripts); short protein forms P517L.
Identifiers: ClinVar variation 222664 (VCV000222664.9), dbSNP rs781988240, ClinGen allele CA077414.

ClinVar aggregate classification (germline): Uncertain significance. Review status: criteria provided, multiple submitters, no conflicts (2 of 4 stars). 3 submissions from 3 submitters: Uncertain significance (3). Last evaluated 2024-08-21.

Conditions:
Naxos disease (NXD). Also called: CARDIOMYOPATHY, ARRHYTHMOGENIC RIGHT VENTRICULAR, WITH SKIN, HAIR, AND NAIL ABNORMALITIES; PALMOPLANTAR KERATODERMA WITH ARRHYTHMOGENIC RIGHT VENTRICULAR CARDIOMYOPATHY AND WOOLLY HAIR; WOOLLY HAIR, PALMOPLANTAR KERATODERMA, AND CARDIAC ABNORMALITIES; KERATOSIS PALMOPLANTARIS WITH ARRHYTHMOGENIC CARDIOMYOPATHY; MAL DE NAXOS. Identifiers: Orphanet 34217, MedGen C1832600, MONDO:0011017, OMIM 601214.
Arrhythmogenic right ventricular dysplasia 12. Also called: ARRHYTHMOGENIC RIGHT VENTRICULAR DYSPLASIA, FAMILIAL, 12. Identifiers: MedGen C1969081, MONDO:0012684, OMIM 611528.

Allele frequency attached by ClinVar (database versions not stated): gnomAD exomes 0.00002; ExAC 0.00004; gnomAD 0.00004; TOPMed 0.00001.
gnomAD v4.1: 28 of 1,610,682 alleles (0.0017%); highest among the groups gnomAD compares: Middle Eastern, 0.016%; no homozygotes.

Submissions (3):

Labcorp Genetics (formerly Invitae), Labcorp
Classification: Uncertain significance for Arrhythmogenic right ventricular dysplasia 12; Naxos disease. Last evaluated: 2024-08-21. Review status: criteria provided, single submitter. Criteria: Invitae Variant Classification Sherloc (09022015). Collection method: clinical testing. Allele origin: germline.
Comment: This sequence change replaces proline, which is neutral and non-polar, with leucine, which is neutral and non-polar, at codon 517 of the JUP protein (p.Pro517Leu). This variant is present in population databases (rs781988240, gnomAD 0.004%). This variant has not been reported in the literature in individuals affected with JUP-related conditions. ClinVar contains an entry for this variant (Variation ID: 222664). An algorithm developed to predict the effect of missense changes on protein structure and function (PolyPhen-2) suggests that this variant¬¨‚Ä†is likely to be tolerated. In summary, the available evidence is currently insufficient to determine the role of this variant in disease. Therefore, it has been classified as a Variant of Uncertain Significance.

Clinical Genetics Laboratory, Skane University Hospital Lund
Classification: Uncertain significance. Last evaluated: 2023-03-18. Review status: criteria provided, single submitter. Criteria: ACMG Guidelines, 2015. Collection method: clinical testing. Allele origin: germline. Affected: yes.

GeneDx
Classification: Uncertain significance. Last evaluated: 2021-05-19. Review status: criteria provided, single submitter. Criteria: GeneDx Variant Classification Process June 2021. Collection method: clinical testing. Allele origin: germline. Affected: yes.
Comment: Has not been previously published as pathogenic or benign to our knowledge; Not observed at a significant frequency in large population cohorts (Lek et al., 2016); In silico analysis supports that this missense variant has a deleterious effect on protein structure/function; Reported in ClinVar but additional evidence is not available (ClinVar Variant ID#222664; Landrum et al., 2016)